The following is an entry in ClinVar:

ClinVar aggregate classification (germline): Uncertain significance (1 of 4 stars; one submission).

Conditions:
Rhabdoid tumor predisposition syndrome 2 (RTPS2). Identifiers: Orphanet 231108, Orphanet 69077, MedGen C2750074, MONDO:0013224, OMIM 613325.

Submission:

Labcorp Genetics (formerly Invitae), Labcorp
Classification: Uncertain significance for Rhabdoid tumor predisposition syndrome 2. Last evaluated: 2022-04-28. Review status: criteria provided, single submitter. Criteria: Invitae Variant Classification Sherloc (09022015). Collection method: clinical testing. Allele origin: germline.
Comment: This sequence change replaces arginine, which is basic and polar, with proline, which is neutral and non-polar, at codon 1445 of the SMARCA4 protein (p.Arg1445Pro). This variant is not present in population databases (gnomAD no frequency). This variant has not been reported in the literature in individuals affected with SMARCA4-related conditions. Algorithms developed to predict the effect of missense changes on protein structure and function (SIFT, PolyPhen-2, Align-GVGD) all suggest that this variant is likely to be disruptive. In summary, the available evidence is currently insufficient to determine the role of this variant in disease. Therefore, it has been classified as a Variant of Uncertain Significance.

NM_003072.5(SMARCA4):c.4238G>C (p.Arg1413Pro)

Gene: SMARCA4 (SWI/SNF related BAF chromatin remodeling complex subunit ATPase 4; plus strand). Cytogenetic location: 19p13.2.
Variant type: single nucleotide variant.
Coding change: c.4238G>C on transcript NM_003072.5 (MANE Select); coding-DNA position 4238, G replaced by C.
Protein change: p.Arg1413Pro; replaces arginine 1413 with proline.
Molecular consequence: missense variant. On other transcripts: non-coding transcript variant (1).
Genome position (GRCh38, 1-based): chr19:11,041,374, G>C. VCF-style: chr19-11041374-G-C. GRCh37 (hg19) VCF-style: chr19-11152050-G-C.
Other names: c.4238G>C, p.Arg1413Pro (NM_001128844.3); c.4148G>C, p.Arg1383Pro (NM_001128845.2, NM_001128846.2); c.4139G>C, p.Arg1380Pro (NM_001128847.4, NM_001128848.2, NM_001374457.1); c.4334G>C, p.Arg1445Pro (NM_001128849.3, NM_001387283.1); c.4235G>C, p.Arg1412Pro (NM_001411150.1); short protein forms R1412P, R1380P, R1383P, R1413P, R1445P.
Identifiers: ClinVar variation 2126626 (VCV002126626.4), dbSNP rs2075600402, ClinGen allele CA404073095.